The following is an entry in ClinVar:

NM_015102.5(NPHP4):c.1740TGT[1] (p.Val582del)

Gene: NPHP4 (nephrocystin 4; minus strand). Cytogenetic location: 1p36.31.
Variant type: Microsatellite.
Coding change: c.1740TGT[1] on transcript NM_015102.5 (MANE Select); one copy of the 3-base unit TGT starting at c.1740; the reference has two copies in a row; one copy, 3 bases deleted; also written c.1743_1745del.
Protein change: p.Val582del; deletes valine 582.
Molecular consequence: inframe deletion. On other transcripts: non-coding transcript variant (1).
Genome position (GRCh38, 1-based): chr1:5,905,650-5,905,652, ACA deleted on the plus strand (TGT on the coding strand, the reverse complement: NPHP4 is on the minus strand); deleting any 3 consecutive bases within chr1:5,905,650-5,905,656 gives the same sequence; the position shown is the placement nearest the transcript's 3' end. VCF-style (leftmost placement, unchanged base first): chr1-5905649-CACA-C. GRCh37 (hg19) VCF-style: chr1-5965709-CACA-C.
Other names: c.201TGT[1], p.Val69del (NM_001291593.2); c.204TGT[1], p.Val70del (NM_001291594.2); c.1743_1745del (NM_015102.5); short protein forms V582del, V69del, V70del.
Identifiers: ClinVar variation 501861 (VCV000501861.11), dbSNP rs1282891020, ClinGen allele CA521017199.
Genomic context (GRCh38, chr1:5,905,649, plus strand): 5'-ACAGCACGTGACTGGTTCCATCCCACCCAGACCCACACCTCACCTCCTGGTCTGGGTTCC[CACA>C]ACAATAGGGGCATGCAAAGGCGTGAACGGCAGCTCCTGTAACTGTTCGGCAATGGATGTT-3'

ClinVar aggregate classification (germline): Uncertain significance. Review status: criteria provided, multiple submitters, no conflicts (2 of 4 stars). 4 submissions from 4 submitters: Uncertain significance (4). Last evaluated 2025-08-21.

Conditions:
Senior-Loken syndrome 4 (SLSN4). Identifiers: Orphanet 3156, MedGen C1846979, MONDO:0011756, OMIM 606996.
Nephronophthisis 4 (NPHP4). Also called: NEPHRONOPHTHISIS 4, JUVENILE. Identifiers: Orphanet 655, MedGen C1847013, MONDO:0011752, OMIM 606966.
Nephronophthisis. Also called: Juvenile Nephronophthisis. Identifiers: Orphanet 655, MedGen C0687120, MONDO:0019005, HP:0000090.

Submissions (4):

Labcorp Genetics (formerly Invitae), Labcorp
Classification: Uncertain significance for Nephronophthisis. Last evaluated: 2025-08-21. Review status: criteria provided, single submitter. Criteria: Invitae Variant Classification Sherloc (09022015). Collection method: clinical testing. Allele origin: germline.
Comment: This variant, c.1743_1745del, results in the deletion of 1 amino acid(s) of the NPHP4 protein (p.Val582del), but otherwise preserves the integrity of the reading frame. This variant is present in population databases (no rsID available, gnomAD 0.007%). This variant has not been reported in the literature in individuals affected with NPHP4-related conditions. Experimental studies and prediction algorithms are not available or were not evaluated, and the functional significance of this variant is currently unknown. In summary, the available evidence is currently insufficient to determine the role of this variant in disease. Therefore, it has been classified as a Variant of Uncertain Significance.

Fulgent Genetics
Classification: Uncertain significance for Nephronophthisis 4; Senior-Loken syndrome 4. Last evaluated: 2021-07-31. Review status: criteria provided, single submitter. Criteria: ACMG Guidelines, 2015. Collection method: clinical testing. Allele origin: unknown.

Blueprint Genetics
Classification: Uncertain significance. Last evaluated: 2020-05-07. Review status: criteria provided, single submitter. Criteria: ACMG Guidelines, 2015. Collection method: clinical testing. Allele origin: germline.

Eurofins Ntd Llc (ga)
Classification: Uncertain significance. Last evaluated: 2017-05-02. Review status: criteria provided, single submitter. Criteria: EGL Classification Definitions 2015. Collection method: clinical testing. Allele origin: germline. Observed: 1 variant allele, 1 heterozygote.